The following is an entry in ClinVar:

ClinVar aggregate classification (germline): Uncertain significance (1 of 4 stars; one submission).

Allele frequency attached by ClinVar (database versions not stated): gnomAD exomes 0.00001; TOPMed 0.00001.
gnomAD v4.1: 9 of 1,612,610 alleles (0.00056%); highest among the groups gnomAD compares: Non-Finnish European, 0.00076%; no homozygotes.

Submission:

Labcorp Genetics (formerly Invitae), Labcorp
Classification: Uncertain significance. Last evaluated: 2022-02-09. Review status: criteria provided, single submitter. Criteria: Invitae Variant Classification Sherloc (09022015). Collection method: clinical testing. Allele origin: germline.
Comment: In summary, the available evidence is currently insufficient to determine the role of this variant in disease. Therefore, it has been classified as a Variant of Uncertain Significance. Experimental studies have shown that this missense change affects CLCN7 function (PMID: 21527911). Advanced modeling of protein sequence and biophysical properties (such as structural, functional, and spatial information, amino acid conservation, physicochemical variation, residue mobility, and thermodynamic stability) performed at Invitae indicates that this missense variant is not expected to disrupt CLCN7 protein function. This missense change has been observed in individual(s) with clinical features of autosomal dominant osteopetrosis and autosomal recessive osteopetrosis (PMID: 20424301, 27990310). This variant is present in population databases (no rsID available, gnomAD 0.0009%). This sequence change replaces proline, which is neutral and non-polar, with leucine, which is neutral and non-polar, at codon 619 of the CLCN7 protein (p.Pro619Leu).

Literature cited by the submitters: PubMed 21527911; PubMed 20424301; PubMed 27990310.

NM_001287.6(CLCN7):c.1856C>T (p.Pro619Leu)

Gene: CLCN7 (chloride voltage-gated channel 7; minus strand). Cytogenetic location: 16p13.3.
Variant type: single nucleotide variant.
Coding change: c.1856C>T on transcript NM_001287.6 (MANE Select); coding-DNA position 1856, C replaced by T.
Protein change: p.Pro619Leu; replaces proline 619 with leucine.
Molecular consequence: missense variant.
Genome position (GRCh38, 1-based): chr16:1,448,708, G>A on the plus strand (C>T on the coding strand, the complement: CLCN7 is on the minus strand). VCF-style: chr16-1448708-G-A. GRCh37 (hg19) VCF-style: chr16-1498709-G-A.
Other names: c.1784C>T, p.Pro595Leu (NM_001114331.3); short protein forms P619L, P595L.
Identifiers: ClinVar variation 2137752 (VCV002137752.4), dbSNP rs1372117927, ClinGen allele CA394186309.